The following is an entry in ClinVar:

NM_080680.3(COL11A2):c.897G>T (p.Glu299Asp)

Gene: COL11A2 (collagen type XI alpha 2 chain; minus strand). Cytogenetic location: 6p21.32.
Variant type: single nucleotide variant.
Coding change: c.897G>T on transcript NM_080680.3 (MANE Select); coding-DNA position 897, G replaced by T.
Protein change: p.Glu299Asp; replaces glutamic acid 299 with aspartic acid.
Molecular consequence: missense variant. On other transcripts: intron variant (1).
Genome position (GRCh38, 1-based): chr6:33,185,034, C>A on the plus strand (G>T on the coding strand, the complement: COL11A2 is on the minus strand). VCF-style: chr6-33185034-C-A. GRCh37 (hg19) VCF-style: chr6-33152811-C-A.
Other names: c.819G>T, p.Glu273Asp (NM_080681.3); c.798+1593G>T (NM_080679.3); short protein forms E273D, E299D.
Identifiers: ClinVar variation 1307987 (VCV001307987.8), dbSNP rs375861604, ClinGen allele CA3751524.

ClinVar aggregate classification (germline): Uncertain significance. Review status: criteria provided, multiple submitters, no conflicts (2 of 4 stars). 2 submissions from 2 submitters: Uncertain significance (2). Last evaluated 2025-11-04.

Allele frequency attached by ClinVar (database versions not stated): gnomAD 0.00001; TOPMed 0.00002; ExAC 0.00005; ESP Exome Variant Server 0.00010.
gnomAD v4.1: 23 of 1,551,264 alleles (0.0015%); highest among the groups gnomAD compares: Non-Finnish European, 0.002%; no homozygotes.

Submissions (2):

Labcorp Genetics (formerly Invitae), Labcorp
Classification: Uncertain significance. Last evaluated: 2025-11-04. Review status: criteria provided, single submitter. Criteria: Invitae Variant Classification Sherloc (09022015). Collection method: clinical testing. Allele origin: germline.
Comment: This sequence change replaces glutamic acid, which is acidic and polar, with aspartic acid, which is acidic and polar, at codon 299 of the COL11A2 protein (p.Glu299Asp). This variant is present in population databases (rs375861604, gnomAD 0.002%). This variant has not been reported in the literature in individuals affected with COL11A2-related conditions. ClinVar contains an entry for this variant (Variation ID: 1307987). Invitae Evidence Modeling of protein sequence and biophysical properties (such as structural, functional, and spatial information, amino acid conservation, physicochemical variation, residue mobility, and thermodynamic stability) indicates that this missense variant is not expected to disrupt COL11A2 protein function with a negative predictive value of 95%. In summary, the available evidence is currently insufficient to determine the role of this variant in disease. Therefore, it has been classified as a Variant of Uncertain Significance.

GeneDx
Classification: Uncertain significance. Last evaluated: 2022-04-19. Review status: criteria provided, single submitter. Criteria: GeneDx Variant Classification Process June 2021. Collection method: clinical testing. Allele origin: germline. Affected: yes.
Comment: Has not been previously published as pathogenic or benign to our knowledge; Not observed in large population cohorts (gnomAD); In silico analysis supports that this missense variant does not alter protein structure/function